The following is an entry in ClinVar:

ClinVar aggregate classification (germline): Uncertain significance (1 of 4 stars; one submission).

Allele frequency attached by ClinVar (database versions not stated): gnomAD 0.00001; TOPMed 0.00001.
gnomAD v4.1: 14 of 1,577,938 alleles (0.00089%); highest among the groups gnomAD compares: Admixed American, 0.018%; no homozygotes.

Submission:

Labcorp Genetics (formerly Invitae), Labcorp
Classification: Uncertain significance. Last evaluated: 2026-02-02. Review status: criteria provided, single submitter. Criteria: Invitae Variant Classification Sherloc (09022015). Collection method: clinical testing. Allele origin: germline.
Comment: This sequence change replaces histidine, which is basic and polar, with arginine, which is basic and polar, at codon 269 of the KL protein (p.His269Arg). This variant is not present in population databases (gnomAD no frequency). This variant has not been reported in the literature in individuals affected with KL-related conditions. ClinVar contains an entry for this variant (Variation ID: 1371700). Invitae Evidence Modeling of protein sequence and biophysical properties (such as structural, functional, and spatial information, amino acid conservation, physicochemical variation, residue mobility, and thermodynamic stability) indicates that this missense variant is expected to disrupt KL protein function with a positive predictive value of 80%. In summary, the available evidence is currently insufficient to determine the role of this variant in disease. Therefore, it has been classified as a Variant of Uncertain Significance.

NM_004795.4(KL):c.806A>G (p.His269Arg)

Genes: KL (klotho; plus strand), LOC130009539 (ATAC-STARR-seq lymphoblastoid silent region 5254; plus strand). Cytogenetic location: 13q13.1.
Variant type: single nucleotide variant.
Coding change: c.806A>G on transcript NM_004795.4 (MANE Select); coding-DNA position 806, A replaced by G.
Protein change: p.His269Arg; replaces histidine 269 with arginine.
Molecular consequence: missense variant.
Genome position (GRCh38, 1-based): chr13:33,017,246, A>G. VCF-style: chr13-33017246-A-G. GRCh37 (hg19) VCF-style: chr13-33591384-A-G.
Other names: short protein forms H269R.
Identifiers: ClinVar variation 1371700 (VCV001371700.6), dbSNP rs902621563, ClinGen allele CA247507654.